The following is an entry in ClinVar:

NM_016247.4(IMPG2):c.946del (p.Glu316fs)

Gene: IMPG2 (interphotoreceptor matrix proteoglycan 2; minus strand). Cytogenetic location: 3q12.3.
Variant type: Deletion.
Coding change: c.946del on transcript NM_016247.4 (MANE Select); coding-DNA position 946, one base deleted (G; older notation c.946delG).
Protein change: p.Glu316fs; shifts the reading frame from glutamic acid 316.
Molecular consequence: frameshift variant.
Genome position (GRCh38, 1-based): chr3:101,257,736, C deleted on the plus strand (G on the coding strand, the reverse complement: IMPG2 is on the minus strand). VCF-style (leftmost placement, unchanged base first): chr3-101257735-TC-T. GRCh37 (hg19) VCF-style: chr3-100976579-TC-T.
Other names: short protein forms E316fs.
Identifiers: ClinVar variation 861700 (VCV000861700.7), dbSNP rs1706627038, ClinGen allele CA916082590.

ClinVar aggregate classification (germline): Pathogenic (1 of 4 stars; one submission).

Submission:

Labcorp Genetics (formerly Invitae), Labcorp
Classification: Pathogenic. Last evaluated: 2019-12-05. Review status: criteria provided, single submitter. Criteria: Invitae Variant Classification Sherloc (09022015). Collection method: clinical testing. Allele origin: germline.
Comment: For these reasons, this variant has been classified as Pathogenic. Loss-of-function variants in IMPG2 are known to be pathogenic (PMID: 20673862). This variant has not been reported in the literature in individuals with IMPG2-related conditions. This variant is not present in population databases (ExAC no frequency). This sequence change creates a premature translational stop signal (p.Glu316Argfs*58) in the IMPG2 gene. It is expected to result in an absent or disrupted protein product.

Literature cited by the submitters: PubMed 20673862.